The following is an entry in ClinVar:

ClinVar aggregate classification (germline): Uncertain significance (1 of 4 stars; one submission).

Conditions:
Cardiac anomalies - developmental delay - facial dysmorphism syndrome (MRFACD). Also called: Impaired intellectual development and distinctive facial features with or without cardiac defects; MED13L Syndrome. Identifiers: Orphanet 369891, MedGen C5192431, MONDO:0014773, OMIM 616789.

Submission:

Neuberg Centre For Genomic Medicine, NCGM
Classification: Uncertain significance for Cardiac anomalies - developmental delay - facial dysmorphism syndrome. Last evaluated: 2023-06-22. Review status: criteria provided, single submitter. Criteria: ACMG Guidelines, 2015. Collection method: clinical testing. Allele origin: germline. Inheritance: Autosomal dominant inheritance. Affected: yes.
Comment: The observed missense variant c.3278A>G(p.Asn1093Ser) in MED13L gene has not been reported previously as a pathogenic variant nor as a benign variant, to our knowledge. This variant is absent in gnomAD Exomes. The amino acid Asn at position 1093 is changed to a Ser changing protein sequence and it might alter its composition and physico-chemical properties. Computational evidence (Polyphen-Benign, SIFT-Tolerated and MutationTaster-disease causing) predicts conflicting evidence on protein structure and function for this variant.The reference amino acid p.Asn1093Ser in MED13L is predicted as conserved by GERP++ and PhyloP across 100 vertebrates. For these reasons, this variant has been classified as Uncertain Significance.

NM_015335.5(MED13L):c.3278A>G (p.Asn1093Ser)

Gene: MED13L (mediator complex subunit 13L; minus strand). Cytogenetic location: 12q24.21.
Variant type: single nucleotide variant.
Coding change: c.3278A>G on transcript NM_015335.5 (MANE Select); coding-DNA position 3278, A replaced by G.
Protein change: p.Asn1093Ser; replaces asparagine 1093 with serine.
Molecular consequence: missense variant.
Genome position (GRCh38, 1-based): chr12:115,991,676, T>C on the plus strand (A>G on the coding strand, the complement: MED13L is on the minus strand). VCF-style: chr12-115991676-T-C. GRCh37 (hg19) VCF-style: chr12-116429481-T-C.
Other names: short protein forms N1093S.
Identifiers: ClinVar variation 3731440 (VCV003731440.1).
Genomic context (GRCh38, chr12:115,991,676, plus strand): 5'-AGGGTAACATAGAGGCTGTGGGCTTCGGGAATTGGCTGCATGGTGGCGGGCTCCACAGAG[T>C]TGAGGGGCCGTGTAGTAGAGGGGGTGGAGGCTGGTGATCCTTGATCGGTGCTATCATACT-3'
Protein context (NP_056150.1, residues 1083-1103): ASTPSTTRPL[Asn1093Ser]SVEPATMQPI